The following is an entry in ClinVar:

ClinVar aggregate classification (germline): Uncertain significance (1 of 4 stars; one submission).

Conditions:
Familial adenomatous polyposis 1 (FAP1). Also called: FAMILIAL ADENOMATOUS POLYPOSIS 1, ATTENUATED; POLYPOSIS, ADENOMATOUS INTESTINAL. Identifiers: MedGen C2713442, MONDO:0021056, OMIM 175100. Disease mechanism: loss of function.

Submission:

Labcorp Genetics (formerly Invitae), Labcorp
Classification: Uncertain significance for Familial adenomatous polyposis 1. Last evaluated: 2024-11-11. Review status: criteria provided, single submitter. Criteria: Invitae Variant Classification Sherloc (09022015). Collection method: clinical testing. Allele origin: germline.
Comment: This variant occurs in a non-coding region of the APC gene. It does not change the encoded amino acid sequence of the APC protein. This variant is not present in population databases (gnomAD no frequency). This variant has not been reported in the literature in individuals affected with APC-related conditions. Experimental studies and prediction algorithms are not available or were not evaluated, and the functional significance of this variant is currently unknown. In summary, the available evidence is currently insufficient to determine the role of this variant in disease. Therefore, it has been classified as a Variant of Uncertain Significance.

NM_001127511.3(APC):c.-92A>T

Gene: APC (APC regulator of Wnt signaling pathway; plus strand). Cytogenetic location: 5q22.2.
Variant type: single nucleotide variant.
Coding change: c.-92A>T on transcript NM_001127511.3; 92 bases upstream of the start codon, A replaced by T.
Molecular consequence: 5 prime UTR variant. On other transcripts: non-coding transcript variant (2).
Genome position (GRCh38, 1-based): chr5:112,707,626, A>T. VCF-style: chr5-112707626-A-T. GRCh37 (hg19) VCF-style: chr5-112043323-A-T.
Other names: c.-275A>T (NM_001354895.2, NM_001407447.1, NM_001407452.1 and 3 more transcripts); c.-92A>T (NM_001354897.2, NM_001354902.2, NM_001407446.1); c.-42A>T (NM_001407448.1, NM_001407450.1, NM_001407457.1 and 1 more transcripts); c.-66A>T (NM_001407453.1); c.-1310A>T (NM_001407470.1, NM_001407472.1).
Identifiers: ClinVar variation 1005519 (VCV001005519.7), dbSNP rs1750589682, ClinGen allele CA1573442556.